The following is an entry in ClinVar:

ClinVar aggregate classification (germline): Pathogenic/Likely pathogenic. Review status: criteria provided, multiple submitters, no conflicts (2 of 4 stars). 3 submissions from 3 submitters: Pathogenic (1); Likely pathogenic (2). Last evaluated 2024-07-20.

Conditions:
Lethal congenital contractural syndrome Finnish type.
Lethal congenital contracture syndrome 1 (LCCS1). Also called: MULTIPLE CONTRACTURE SYNDROME, FINNISH TYPE. Identifiers: Orphanet 1486, MedGen C1854664, MONDO:0009670, OMIM 253310.
Lethal arthrogryposis-anterior horn cell disease syndrome (CAAHD). Also called: CONGENITAL ARTHROGRYPOSIS WITH ANTERIOR HORN CELL DISEASE. Identifiers: Orphanet 53696, MedGen C5193016, MONDO:0012750, OMIM 611890.

Allele frequency attached by ClinVar (database versions not stated): ExAC 0.00001; gnomAD 0.00001; gnomAD exomes 0.00001; TOPMed 0.00002.

Submissions (3):

Natera, Inc.
Classification: Likely pathogenic for Lethal congenital contractural syndrome Finnish type. Last evaluated: 2024-07-20. Review status: criteria provided, single submitter. Criteria: Natera Variant Classification Schema (03/2026). Collection method: clinical testing. Allele origin: germline.
Comment: The c.844C>T variant in GLE1 is a nonsense variant predicted to introduce a stop codon at amino acid 282. This variant is expected to result in nonsense mediated decay, truncation, or a dysfunctional protein product. This variant is rare in the general population with a frequency below the threshold expected for the associated phenotype(s). Given the available evidence, this variant is classified as Likely Pathogenic.

Labcorp Genetics (formerly Invitae), Labcorp
Classification: Pathogenic. Last evaluated: 2023-10-19. Review status: criteria provided, single submitter. Criteria: Invitae Variant Classification Sherloc (09022015). Collection method: clinical testing. Allele origin: germline.
Comment: This sequence change creates a premature translational stop signal (p.Arg282*) in the GLE1 gene. It is expected to result in an absent or disrupted protein product. Loss-of-function variants in GLE1 are known to be pathogenic (PMID: 18204449, 24243016, 27684565). This variant is present in population databases (rs755775223, gnomAD 0.003%). This variant has not been reported in the literature in individuals affected with GLE1-related conditions. ClinVar contains an entry for this variant (Variation ID: 966701). For these reasons, this variant has been classified as Pathogenic.

Juno Genomics, Hangzhou Juno Genomics, Inc
Classification: Likely pathogenic for Lethal arthrogryposis-anterior horn cell disease syndrome; Lethal congenital contracture syndrome 1. Review status: criteria provided, single submitter. Criteria: ACMG Guidelines, 2015. Collection method: clinical testing. Allele origin: germline.
Comment: Null variant in a gene where loss of function (LOF) is a known mechanism of disease.;Absent from controls (or at extremely low frequency if recessive) in Genome Aggregation Database.

Literature cited by the submitters: PubMed 18204449 (cited by Labcorp Genetics (formerly Invitae), Labcorp); PubMed 24243016 (cited by Labcorp Genetics (formerly Invitae), Labcorp); PubMed 27684565 (cited by Labcorp Genetics (formerly Invitae), Labcorp).

NM_001003722.2(GLE1):c.844C>T (p.Arg282Ter)

Gene: GLE1 (GLE1 RNA export mediator; plus strand). Cytogenetic location: 9q34.11.
Variant type: single nucleotide variant.
Coding change: c.844C>T on transcript NM_001003722.2 (MANE Select); coding-DNA position 844, C replaced by T.
Protein change: p.Arg282Ter; replaces arginine 282 with a stop codon.
Molecular consequence: nonsense.
Genome position (GRCh38, 1-based): chr9:128,523,793, C>T. VCF-style: chr9-128523793-C-T. GRCh37 (hg19) VCF-style: chr9-131286072-C-T.
Other names: c.844C>T, p.Arg282Ter (NM_001499.2); short protein forms R282*.
Identifiers: ClinVar variation 966701 (VCV000966701.10), dbSNP rs755775223, ClinGen allele CA5263708.